The following is an entry in ClinVar:

ClinVar aggregate classification (germline): Likely benign. Review status: criteria provided, multiple submitters, no conflicts (2 of 4 stars). 4 submissions from 4 submitters: Likely benign (4). Last evaluated 2026-01-28.

Conditions:
Distal myopathy with posterior leg and anterior hand involvement. Also called: WILLIAMS DISTAL MYOPATHY. Identifiers: Orphanet 63273, MedGen C3279722, MONDO:0013550, OMIM 614065.
Myofibrillar myopathy 5. Also called: Filaminopathy (type); FILAMINOPATHY, AUTOSOMAL DOMINANT. Identifiers: Orphanet 171445, MedGen C1836050, MONDO:0012289, OMIM 609524.
Hypertrophic cardiomyopathy 26. Also called: Cardiomyopathy, familial hypertrophic, 26. Identifiers: Orphanet 75249, MedGen C4310749, MONDO:0014883, OMIM 617047.
Cardiovascular phenotype. Identifiers: MedGen CN230736.

Allele frequency attached by ClinVar (database versions not stated): ExAC 0.00002; gnomAD exomes 0.00002 and 0.00003; gnomAD 0.00004 and 0.00005; TOPMed 0.00004; ESP Exome Variant Server 0.00016.
gnomAD v4.1: 58 of 1,614,008 alleles (0.0036%); highest among the groups gnomAD compares: Middle Eastern, 0.016%; no homozygotes.

Submissions (4):

Labcorp Genetics (formerly Invitae), Labcorp
Classification: Likely benign for Distal myopathy with posterior leg and anterior hand involvement; Myofibrillar myopathy 5; Hypertrophic cardiomyopathy 26. Last evaluated: 2026-01-28. Review status: criteria provided, single submitter. Criteria: Invitae Variant Classification Sherloc (09022015). Collection method: clinical testing. Allele origin: germline.

Molecular Diagnostic Laboratory for Inherited Cardiovascular Disease, Montreal Heart Institute
Classification: Likely benign. Last evaluated: 2025-04-09. Review status: criteria provided, single submitter. Criteria: ACMG Guidelines, 2015. Collection method: clinical testing. Allele origin: germline. Affected: no.
Comment: BP7

GeneDx
Classification: Likely benign. Last evaluated: 2021-01-15. Review status: criteria provided, single submitter. Criteria: GeneDx Variant Classification Process June 2021. Collection method: clinical testing. Allele origin: germline. Affected: yes.

Ambry Genetics
Classification: Likely benign for Cardiovascular phenotype. Last evaluated: 2019-10-04. Review status: criteria provided, single submitter. Criteria: Ambry Variant Classification Scheme 2023. Collection method: clinical testing. Allele origin: germline.

NM_001458.5(FLNC):c.6354C>T (p.His2118=)

Genes: FLNC (filamin C; plus strand), FLNC-AS1 (FLNC antisense RNA 1; minus strand). Cytogenetic location: 7q32.1.
Variant type: single nucleotide variant.
Coding change: c.6354C>T on transcript NM_001458.5 (MANE Select); coding-DNA position 6354, C replaced by T.
Protein change: p.His2118=; no amino-acid change (histidine 2118 retained).
Molecular consequence: synonymous variant.
Genome position (GRCh38, 1-based): chr7:128,853,614, C>T. VCF-style: chr7-128853614-C-T. GRCh37 (hg19) VCF-style: chr7-128493668-C-T.
Other names: c.6255C>T, p.His2085= (NM_001127487.2).
Identifiers: ClinVar variation 539498 (VCV000539498.17), dbSNP rs368455239, ClinGen allele CA4475947.